The following is an entry in ClinVar:

ClinVar aggregate classification (germline): Likely benign (1 of 4 stars; one submission).

Allele frequency attached by ClinVar (database versions not stated): ExAC below 0.00001; gnomAD exomes 0.00003 and 0.00014; gnomAD 0.00038 and 0.00041; TOPMed 0.00039.

Submission:

GeneDx
Classification: Likely benign. Last evaluated: 2016-10-06. Review status: criteria provided, single submitter. Criteria: GeneDx Variant Classification (06012015). Collection method: clinical testing. Allele origin: germline. Affected: yes.
Comment: This variant is considered likely benign or benign based on one or more of the following criteria: it is a conservative change, it occurs at a poorly conserved position in the protein, it is predicted to be benign by multiple in silico algorithms, and/or has population frequency not consistent with disease.

NM_032382.5(COG8):c.*11_*12del

Genes: COG8 (component of oligomeric golgi complex 8; minus strand), LOC130059304 (ATAC-STARR-seq lymphoblastoid silent region 7657; plus strand). Cytogenetic location: 16q22.1.
Variant type: Deletion.
Coding change: c.*11_*12del on transcript NM_032382.5 (MANE Select); 11 bases downstream of the stop codon through 12 bases downstream of the stop codon, 2 bases deleted (CT; older notation c.*11_*12delCT).
Molecular consequence: 3 prime UTR variant. On other transcripts: intron variant (3).
Genome position (GRCh38, 1-based): chr16:69,330,827-69,330,828, AG deleted on the plus strand (CT on the coding strand, the reverse complement: COG8 is on the minus strand). VCF-style (leftmost placement, unchanged base first): chr16-69330826-CAG-C. GRCh37 (hg19) VCF-style: chr16-69364729-CAG-C.
Other names: c.*11_*12del (NM_001379261.1, NM_001379263.1, NM_001379264.1); c.1414-1649_1414-1648del (NM_001379266.1); c.1583-1649_1583-1648del (NM_001379265.1); c.1759+91_1759+92del (NM_001379262.1); c.*11_*12delCT (NM_032382.4).
Identifiers: ClinVar variation 422264 (VCV000422264.1), dbSNP rs750410882, ClinGen allele CA8133597.
Genomic context (GRCh38, chr16:69,330,826, plus strand): 5'-CCAGGGCGAGGCAGTCCTGGCCACCCCGCGCCGGGAACCTCACGCACCGCGTTCTGGAGG[CAG>C]GGGACGCCGGCTAGGGCCCCACGCTGGGCGGTTCGGCCTGCGTCTCCGCTCGCCCTCCCT-3'